The following is an entry in ClinVar:

NM_022124.6(CDH23):c.5113G>A (p.Gly1705Ser)

Gene: CDH23 (cadherin related 23; plus strand). Cytogenetic location: 10q22.1.
Variant type: single nucleotide variant.
Coding change: c.5113G>A on transcript NM_022124.6 (MANE Select); coding-DNA position 5113, G replaced by A.
Protein change: p.Gly1705Ser; replaces glycine 1705 with serine.
Molecular consequence: missense variant.
Genome position (GRCh38, 1-based): chr10:71,778,234, G>A. VCF-style: chr10-71778234-G-A. GRCh37 (hg19) VCF-style: chr10-73537991-G-A.
Other names: short protein forms G1705S.
Identifiers: ClinVar variation 1031333 (VCV001031333.4), dbSNP rs373164088, ClinGen allele CA5545647.

ClinVar aggregate classification (germline): Uncertain significance. Review status: criteria provided, multiple submitters, no conflicts (2 of 4 stars). 2 submissions from 2 submitters: Uncertain significance (2). Last evaluated 2022-07-05.

Conditions:
Autosomal recessive nonsyndromic hearing loss 12. Also called: DEAFNESS, AUTOSOMAL RECESSIVE 12. Identifiers: Orphanet 90636, MedGen C1832394, MONDO:0011067, OMIM 601386.

Allele frequency attached by ClinVar (database versions not stated): ExAC 0.00004; gnomAD 0.00005; TOPMed 0.00006; ESP Exome Variant Server 0.00016.

Submissions (2):

Labcorp Genetics (formerly Invitae), Labcorp
Classification: Uncertain significance. Last evaluated: 2022-07-05. Review status: criteria provided, single submitter. Criteria: Invitae Variant Classification Sherloc (09022015). Collection method: clinical testing. Allele origin: germline.
Comment: This sequence change replaces glycine, which is neutral and non-polar, with serine, which is neutral and polar, at codon 1705 of the CDH23 protein (p.Gly1705Ser). This variant is present in population databases (rs373164088, gnomAD 0.009%). This variant has not been reported in the literature in individuals affected with CDH23-related conditions. ClinVar contains an entry for this variant (Variation ID: 1031333). Algorithms developed to predict the effect of missense changes on protein structure and function are either unavailable or do not agree on the potential impact of this missense change (SIFT: "Deleterious"; PolyPhen-2: "Not Available"; Align-GVGD: "Class C55"). In summary, the available evidence is currently insufficient to determine the role of this variant in disease. Therefore, it has been classified as a Variant of Uncertain Significance.

Baylor Genetics
Classification: Uncertain significance for Autosomal recessive nonsyndromic hearing loss 12. Last evaluated: 2018-09-28. Review status: criteria provided, single submitter. Criteria: ACMG Guidelines, 2015. Collection method: clinical testing. Allele origin: unknown. Affected: yes.
Comment: This variant was determined to be of uncertain significance according to ACMG Guidelines, 2015 [PMID:25741868].